The following is an entry in ClinVar:

ClinVar aggregate classification (germline): Likely benign (1 of 4 stars; one submission).

Conditions:
Hennekam lymphangiectasia-lymphedema syndrome 1 (HKLLS1). Also called: LYMPHATIC DYSPLASIA, GENERALIZED. Identifiers: Orphanet 2136, MedGen C4012050, MONDO:0009337, OMIM 235510.

Allele frequency attached by ClinVar (database versions not stated): gnomAD 0.00091 and 0.00101; TOPMed 0.00112; 1000 Genomes Project 0.00240; 1000 Genomes Project 30x 0.00281; gnomAD exomes 0.02381.
gnomAD v4.1: 151 of 152,294 alleles (0.099%); highest among the groups gnomAD compares: East Asian, 1.4%; 1 homozygote.

Submission:

Illumina Laboratory Services, Illumina
Classification: Likely benign for Hennekam lymphangiectasia-lymphedema syndrome 1. Last evaluated: 2018-01-13. Review status: criteria provided, single submitter. Criteria: ICSL Variant Classification Criteria 13 December 2019. Collection method: clinical testing. Allele origin: germline.
Comment: This variant was observed in the ICSL laboratory as part of a predisposition screen in an ostensibly healthy population. It had not been previously curated by ICSL or reported in the Human Gene Mutation Database (HGMD: prior to June 1st, 2018), and was therefore a candidate for classification through an automated scoring system. Utilizing variant allele frequency, disease prevalence and penetrance estimates, and inheritance mode, an automated score was calculated to assess if this variant is too frequent to cause the disease. Based on the score and internal cut-off values, a variant classified as likely benign is not then subjected to further curation. The score for this variant resulted in a classification of likely benign for this disease.

NM_133459.4(CCBE1):c.*3931G>A

Gene: CCBE1 (collagen and calcium binding EGF domains 1; minus strand). Cytogenetic location: 18q21.32.
Variant type: single nucleotide variant.
Coding change: c.*3931G>A on transcript NM_133459.4 (MANE Select); 3931 bases downstream of the stop codon, G replaced by A.
Molecular consequence: 3 prime UTR variant.
Genome position (GRCh38, 1-based): chr18:59,431,977, C>T on the plus strand (G>A on the coding strand, the complement: CCBE1 is on the minus strand). VCF-style: chr18-59431977-C-T. GRCh37 (hg19) VCF-style: chr18-57099209-C-T.
Identifiers: ClinVar variation 889423 (VCV000889423.4), dbSNP rs187148297, ClinGen allele CA301037473.
Genomic context (GRCh38, chr18:59,431,977, plus strand): 5'-GGAGGGGGGTTTCCTAAACTAAAATGCATGCCCTCCATGTACTATTTTCTTTTTTCGAGA[C>T]GGAGTCTCACTCTGTAGCCAGGCTGGAGTGCAGTGGCGCAATCTTGGCTCACTGCAACCT-3'